The following is an entry in ClinVar:

NM_194454.3(KRIT1):c.1617del (p.Leu539fs)

Gene: KRIT1 (KRIT1 ankyrin repeat containing; minus strand). Cytogenetic location: 7q21.2.
Variant type: Deletion.
Coding change: c.1617del on transcript NM_194454.3 (MANE Select); coding-DNA position 1617, one base deleted (A; older notation c.1617delA).
Protein change: p.Leu539fs; shifts the reading frame from leucine 539.
Molecular consequence: frameshift variant.
Genome position (GRCh38, 1-based): chr7:92,214,724, T deleted on the plus strand (A on the coding strand, the reverse complement: KRIT1 is on the minus strand). VCF-style (leftmost placement, unchanged base first): chr7-92214723-AT-A. GRCh37 (hg19) VCF-style: chr7-91844037-AT-A.
Other names: c.1473del, p.Leu491fs (NM_001013406.2, NM_001350669.1, NM_001350670.1); c.903del, p.Leu301fs (NM_001350671.1); c.1617del, p.Leu539fs (NM_001350672.1, NM_001350673.1, NM_001350674.1 and 26 more transcripts); c.1617delA (NM_194456.1); short protein forms L301fs, L491fs, L539fs.
Identifiers: ClinVar variation 4991259 (VCV004991259.1).

ClinVar aggregate classification (germline): Likely pathogenic (1 of 4 stars; one submission).

Conditions:
KRIT1-related disorder. Also called: KRIT1-related condition; KRIT1-related disorders.

Submission:

PreventionGenetics, part of Exact Sciences
Classification: Likely pathogenic for KRIT1-related condition. Last evaluated: 2026-01-17. Review status: criteria provided, single submitter. Criteria: ACMG Guidelines, 2015. Collection method: clinical testing. Allele origin: germline.
Comment: The KRIT1 c.1617delA variant is predicted to result in a frameshift and premature protein termination (p.Leu539Phefs*2). To our knowledge, this variant has not been reported in the literature or in a large population database (gnomAD), indicating this variant is rare. Frameshift variants in KRIT1 are expected to be pathogenic. This variant is interpreted as likely pathogenic.